The following is an entry in ClinVar:

NM_001374736.1(DST):c.6666C>T (p.Tyr2222=)

Gene: DST (dystonin; minus strand). Cytogenetic location: 6p12.1.
Variant type: single nucleotide variant.
Coding change: c.6666C>T on transcript NM_001374736.1 (MANE Select); coding-DNA position 6666, C replaced by T.
Protein change: p.Tyr2222=; no amino-acid change (tyrosine 2222 retained).
Molecular consequence: synonymous variant. On other transcripts: intron variant (6).
Genome position (GRCh38, 1-based): chr6:56,607,962, G>A on the plus strand (C>T on the coding strand, the complement: DST is on the minus strand). VCF-style: chr6-56607962-G-A. GRCh37 (hg19) VCF-style: chr6-56472760-G-A.
Other names: c.4650+2465C>T (NM_183380.4, NM_001374730.1, NM_001386100.1); c.3672+2465C>T (NM_015548.5); c.6666C>T, p.Tyr2222= (NM_001374722.1); c.6033C>T, p.Tyr2011= (NM_001374729.1); c.6693C>T, p.Tyr2231= (NM_001374734.1); c.5184+2465C>T (NM_001144769.5); c.4770+2465C>T (NM_001144770.2).
Identifiers: ClinVar variation 2656667 (VCV002656667.24), dbSNP rs200588984, ClinGen allele CA3869520.
Genomic context (GRCh38, chr6:56,607,962, plus strand): 5'-ATCAAATTCTGCATGACAGCCTTCCAGTAGCATGCCAACAGCCTCATCCAAGTCTCCATC[G>A]TACAGCAAAAGCCTTTGCCCTGTGTTTGCATCCATATAGCTATTTATCATTAAATAAGAT-3'
Protein context (NP_001361665.1, residues 2212-2232): DANTGQRLLL[Tyr2222=]DGDLDEAVGM

ClinVar aggregate classification (germline): Likely benign (1 of 4 stars; one submission).

Allele frequency attached by ClinVar (database versions not stated): gnomAD exomes 0.00008; gnomAD 0.00010; TOPMed 0.00011; ExAC 0.00020; ESP Exome Variant Server 0.00025; 1000 Genomes Project 30x 0.00031; 1000 Genomes Project 0.00040.
gnomAD v4.1: 133 of 1,613,506 alleles (0.0082%); highest among the groups gnomAD compares: East Asian, 0.078%; no homozygotes.

Submission:

CeGaT Center for Human Genetics Tuebingen
Classification: Likely benign. Last evaluated: 2022-12-01. Review status: criteria provided, single submitter. Criteria: CeGaT Center For Human Genetics Tuebingen Variant Classification Criteria Version 2. Collection method: clinical testing. Allele origin: germline. Affected: yes. Observed: 2 variant alleles.
Comment: DST: BP4, BP7